The following is an entry in ClinVar:

NM_001376571.1(MADD):c.1039G>C (p.Glu347Gln)

Gene: MADD (MAP kinase activating death domain; plus strand). Cytogenetic location: 11p11.2.
Variant type: single nucleotide variant.
Coding change: c.1039G>C on transcript NM_001376571.1 (MANE Select); coding-DNA position 1039, G replaced by C.
Protein change: p.Glu347Gln; replaces glutamic acid 347 with glutamine.
Molecular consequence: missense variant. On other transcripts: non-coding transcript variant (8).
Genome position (GRCh38, 1-based): chr11:47,276,807, G>C. VCF-style: chr11-47276807-G-C. GRCh37 (hg19) VCF-style: chr11-47298358-G-C.
Other names: c.1039G>C, p.Glu347Gln (NM_001135943.2, NM_001135944.2, NM_001376572.1 and 80 more transcripts); c.835G>C, p.Glu279Gln (NM_001376620.1, NM_001376626.1, NM_001376627.1 and 9 more transcripts); c.373G>C, p.Glu125Gln (NM_001376663.1); short protein forms E125Q, E279Q, E347Q.
Identifiers: ClinVar variation 3360583 (VCV003360583.2).

ClinVar aggregate classification (germline): Uncertain significance. Review status: criteria provided, multiple submitters, no conflicts (2 of 4 stars). 2 submissions from 2 submitters: Uncertain significance (2). Last evaluated 2024-11-26.

Conditions:
Inborn genetic diseases. Identifiers: MedGen C0950123, MeSH D030342.

Submissions (2):

Ambry Genetics
Classification: Uncertain significance for Inborn genetic diseases. Last evaluated: 2024-11-26. Review status: criteria provided, single submitter. Criteria: Ambry Variant Classification Scheme 2023. Collection method: clinical testing. Allele origin: germline.

GeneDx
Classification: Uncertain significance. Last evaluated: 2023-06-29. Review status: criteria provided, single submitter. Criteria: GeneDx Variant Classification Process June 2021. Collection method: clinical testing. Allele origin: germline. Affected: yes.
Comment: Not observed at significant frequency in large population cohorts (gnomAD); In silico analysis supports that this missense variant has a deleterious effect on protein structure/function; Has not been previously published as pathogenic or benign to our knowledge